The following is an entry in ClinVar:

NM_001352027.3(PHF21A):c.857G>A (p.Arg286His)

Gene: PHF21A (PHD finger protein 21A; minus strand). Cytogenetic location: 11p11.2.
Variant type: single nucleotide variant.
Coding change: c.857G>A on transcript NM_001352027.3 (MANE Select); coding-DNA position 857, G replaced by A.
Protein change: p.Arg286His; replaces arginine 286 with histidine.
Molecular consequence: missense variant. On other transcripts: non-coding transcript variant (2).
Genome position (GRCh38, 1-based): chr11:45,965,454, C>T on the plus strand (G>A on the coding strand, the complement: PHF21A is on the minus strand). VCF-style: chr11-45965454-C-T. GRCh37 (hg19) VCF-style: chr11-45987005-C-T.
Other names: c.854G>A, p.Arg285His (NM_001101802.3, NM_001352030.3, NM_001352031.3 and 1 more transcripts); c.857G>A, p.Arg286His (NM_001352025.3, NM_001352026.3, NM_001352028.1 and 2 more transcripts); short protein forms R285H, R286H.
Identifiers: ClinVar variation 2998669 (VCV002998669.3), dbSNP rs775109076, ClinGen allele CA5961266.
Genomic context (GRCh38, chr11:45,965,454, plus strand): 5'-CTGGTGAGCTGGGCCATGGGGAACGTTTTGGCTATGGTTGCAGTCTGCCCATTGACGACA[C>T]GGACGGGGTGGATGGAATTCTGGGATGTGGGAAGGGTTGTGGGGGTGAACTTGGTCAGCA-3'
Protein context (NP_001338956.1, residues 276-296): PTSQNSIHPV[Arg286His]VVNGQTATIA

ClinVar aggregate classification (germline): Uncertain significance (1 of 4 stars; one submission).

Allele frequency attached by ClinVar (database versions not stated): ExAC 0.00001; gnomAD 0.00001; gnomAD exomes 0.00001; TOPMed 0.00001.

Submission:

Labcorp Genetics (formerly Invitae), Labcorp
Classification: Uncertain significance. Last evaluated: 2023-10-05. Review status: criteria provided, single submitter. Criteria: Invitae Variant Classification Sherloc (09022015). Collection method: clinical testing. Allele origin: germline.
Comment: This sequence change replaces arginine, which is basic and polar, with histidine, which is basic and polar, at codon 285 of the PHF21A protein (p.Arg285His). This variant is present in population databases (rs775109076, gnomAD 0.007%). This variant has not been reported in the literature in individuals affected with PHF21A-related conditions. Advanced modeling of protein sequence and biophysical properties (such as structural, functional, and spatial information, amino acid conservation, physicochemical variation, residue mobility, and thermodynamic stability) performed at Invitae indicates that this missense variant is not expected to disrupt PHF21A protein function. In summary, the available evidence is currently insufficient to determine the role of this variant in disease. Therefore, it has been classified as a Variant of Uncertain Significance.